The following is an entry in ClinVar:

NM_001009944.3(PKD1):c.8928C>G (p.Tyr2976Ter)

Gene: PKD1 (polycystin 1, transient receptor potential channel interacting; minus strand). Cytogenetic location: 16p13.3.
Variant type: single nucleotide variant.
Coding change: c.8928C>G on transcript NM_001009944.3 (MANE Select); coding-DNA position 8928, C replaced by G.
Protein change: p.Tyr2976Ter; replaces tyrosine 2976 with a stop codon.
Molecular consequence: nonsense.
Genome position (GRCh38, 1-based): chr16:2,102,834, G>C on the plus strand (C>G on the coding strand, the complement: PKD1 is on the minus strand). VCF-style: chr16-2102834-G-C. GRCh37 (hg19) VCF-style: chr16-2152835-G-C.
Other names: c.8928C>G, p.Tyr2976Ter (NM_000296.4); short protein forms Y2976*.
Identifiers: ClinVar variation 4851599 (VCV004851599.1).

ClinVar aggregate classification (germline): Likely pathogenic (1 of 4 stars; one submission).

Conditions:
Polycystic kidney disease, adult type (PKD1). Also called: POLYCYSTIC KIDNEY DISEASE 1 WITH OR WITHOUT POLYCYSTIC LIVER DISEASE; Polycystic Kidney Disease 1, Autosomal Dominant; Polycystic kidney disease 1; Polycystic kidney disease 1, severe; POLYCYSTIC KIDNEY DISEASE, ADULT, TYPE I; Polycystic Kidney, Autosomal Dominant. Identifiers: MedGen C3149841, MONDO:0008263, OMIM 173900.

Submission:

CGC Genetics, Unilabs
Classification: Likely pathogenic for Polycystic kidney disease, adult type. Last evaluated: 2026-01-20. Review status: criteria provided, single submitter. Criteria: ACMG Guidelines, 2015. Collection method: clinical testing. Allele origin: germline. Inheritance: Autosomal dominant inheritance. Affected: yes. Observed: 1 variant allele.
Comment: The NM_001009944.3:c.8928C>G p.(Tyr2976*) variant, detected in heterozygosity in the PKD1 gene (chr.16), is not described in the literature nor in the ClinVar database. It is also not reported in the gnomAD population database. This is a nonsense variant, located in exon 24 (of 46 exons), which creates a premature stop codon and, therefore, is predicted to produce a truncated protein and/or loss of expression due to mRNA degradation. Based on the available information, this variant should be considered likely pathogenic.